The following is an entry in ClinVar:

ClinVar aggregate classification (germline): Uncertain significance (1 of 4 stars; one submission).

Conditions:
SEMA3F-related disorder. Also called: SEMA3F-related condition.

gnomAD v4.1: 1 of 1,614,056 alleles (0.000062%); highest among the groups gnomAD compares: Admixed American, 0.0017%; no homozygotes.

Submission:

PreventionGenetics, part of Exact Sciences
Classification: Uncertain significance for SEMA3F-related condition. Last evaluated: 2025-04-23. Review status: criteria provided, single submitter. Criteria: ACMG Guidelines, 2015. Collection method: clinical testing. Allele origin: germline.
Comment: The SEMA3F c.1211T>C variant is predicted to result in the amino acid substitution p.Met404Thr. To our knowledge, this variant has not been reported in the literature. This variant is reported in 0.0029% of alleles in individuals of Latino descent in gnomAD. At this time, the clinical significance of this variant is uncertain due to the absence of conclusive functional and genetic evidence.

NM_004186.5(SEMA3F):c.1211T>C (p.Met404Thr)

Gene: SEMA3F (semaphorin 3F; plus strand). Cytogenetic location: 3p21.31.
Variant type: single nucleotide variant.
Coding change: c.1211T>C on transcript NM_004186.5 (MANE Select); coding-DNA position 1211, T replaced by C.
Protein change: p.Met404Thr; replaces methionine 404 with threonine.
Molecular consequence: missense variant.
Genome position (GRCh38, 1-based): chr3:50,183,542, T>C. VCF-style: chr3-50183542-T-C. GRCh37 (hg19) VCF-style: chr3-50220975-T-C.
Other names: c.914T>C, p.Met305Thr (NM_001318798.2); c.1118T>C, p.Met373Thr (NM_001318800.2); short protein forms M305T, M373T, M404T.
Identifiers: ClinVar variation 3348335 (VCV003348335.2).